The following is an entry in ClinVar:

ClinVar aggregate classification (germline): Uncertain significance (1 of 4 stars; one submission).

Conditions:
Hereditary spastic paraplegia 7 (SPG7). Also called: SPG7-related neurologic disorder; Spastic paraplegia 7; Hereditary spastic paraplegia Paraplegin type; Autosomal recessive spastic paraplegia type 7; SPASTIC PARAPLEGIA 7, AUTOSOMAL RECESSIVE, WITH OR WITHOUT CEREBELLAR ATAXIA. Identifiers: Orphanet 99013, MedGen C1846564, MONDO:0011803, OMIM 607259.

Allele frequency attached by ClinVar (database versions not stated): TOPMed below 0.00001.
gnomAD v4.1: 5 of 1,514,354 alleles (0.00033%); highest among the groups gnomAD compares: Middle Eastern, 0.023%; no homozygotes.

Submission:

Labcorp Genetics (formerly Invitae), Labcorp
Classification: Uncertain significance for Hereditary spastic paraplegia 7. Last evaluated: 2025-01-13. Review status: criteria provided, single submitter. Criteria: Invitae Variant Classification Sherloc (09022015). Collection method: clinical testing. Allele origin: germline.
Comment: This sequence change replaces proline, which is neutral and non-polar, with threonine, which is neutral and polar, at codon 34 of the SPG7 protein (p.Pro34Thr). This variant is present in population databases (no rsID available, gnomAD 0.005%). This variant has not been reported in the literature in individuals affected with SPG7-related conditions. ClinVar contains an entry for this variant (Variation ID: 2911512). Invitae Evidence Modeling of protein sequence and biophysical properties (such as structural, functional, and spatial information, amino acid conservation, physicochemical variation, residue mobility, and thermodynamic stability) indicates that this missense variant is not expected to disrupt SPG7 protein function with a negative predictive value of 95%. In summary, the available evidence is currently insufficient to determine the role of this variant in disease. Therefore, it has been classified as a Variant of Uncertain Significance.

NM_003119.4(SPG7):c.100C>A (p.Pro34Thr)

Genes: SPG7 (SPG7 matrix AAA peptidase subunit, paraplegin; plus strand), LOC130059818 (ATAC-STARR-seq lymphoblastoid silent region 7911; plus strand). Cytogenetic location: 16q24.3.
Variant type: single nucleotide variant.
Coding change: c.100C>A on transcript NM_003119.4 (MANE Select); coding-DNA position 100, C replaced by A.
Protein change: p.Pro34Thr; replaces proline 34 with threonine.
Molecular consequence: missense variant.
Genome position (GRCh38, 1-based): chr16:89,508,517, C>A. VCF-style: chr16-89508517-C-A. GRCh37 (hg19) VCF-style: chr16-89574925-C-A.
Other names: c.100C>A, p.Pro34Thr (NM_001363850.1, NM_199367.3); short protein forms P34T.
Identifiers: ClinVar variation 2911512 (VCV002911512.3), dbSNP rs891543784, ClinGen allele CA286519250.